The following is an entry in ClinVar:

NM_212482.4(FN1):c.4732G>A (p.Gly1578Arg)

Gene: FN1 (fibronectin 1; minus strand). Cytogenetic location: 2q35.
Variant type: single nucleotide variant.
Coding change: c.4732G>A on transcript NM_212482.4 (MANE Select); coding-DNA position 4732, G replaced by A.
Protein change: p.Gly1578Arg; replaces glycine 1578 with arginine.
Molecular consequence: missense variant.
Genome position (GRCh38, 1-based): chr2:215,384,182, C>T on the plus strand (G>A on the coding strand, the complement: FN1 is on the minus strand). VCF-style: chr2-215384182-C-T. GRCh37 (hg19) VCF-style: chr2-216248905-C-T.
Other names: c.4732G>A, p.Gly1578Arg (NM_001306129.2, NM_001306130.2, NM_001365517.2 and 3 more transcripts); c.4459G>A, p.Gly1487Arg (NM_001306131.2, NM_001306132.2, NM_001365518.2 and 7 more transcripts); short protein forms G1487R, G1578R.
Identifiers: ClinVar variation 3685225 (VCV003685225.2).

ClinVar aggregate classification (germline): Uncertain significance (1 of 4 stars; one submission).

gnomAD v4.1: 5 of 1,614,094 alleles (0.00031%); highest among the groups gnomAD compares: Non-Finnish European, 0.00042%; no homozygotes.

Submission:

Labcorp Genetics (formerly Invitae), Labcorp
Classification: Uncertain significance. Last evaluated: 2024-03-15. Review status: criteria provided, single submitter. Criteria: Invitae Variant Classification Sherloc (09022015). Collection method: clinical testing. Allele origin: germline.
Comment: This sequence change replaces glycine, which is neutral and non-polar, with arginine, which is basic and polar, at codon 1578 of the FN1 protein (p.Gly1578Arg). This variant is not present in population databases (gnomAD no frequency). This variant has not been reported in the literature in individuals affected with FN1-related conditions. An algorithm developed to predict the effect of missense changes on protein structure and function (PolyPhen-2) suggests that this variant is likely to be disruptive. In summary, the available evidence is currently insufficient to determine the role of this variant in disease. Therefore, it has been classified as a Variant of Uncertain Significance.